The following is an entry in ClinVar:

ClinVar aggregate classification (germline): Uncertain significance. Review status: criteria provided, multiple submitters, no conflicts (2 of 4 stars). 2 submissions from 2 submitters: Uncertain significance (2). Last evaluated 2025-09-05.

Conditions:
2-aminoadipic 2-oxoadipic aciduria (AAKAD). Also called: Aminoadipic aciduria; ALPHA-AMINOADIPIC AND ALPHA-KETOADIPIC ACIDURIA. Identifiers: Orphanet 79154, MedGen C1859817, MONDO:0008774, OMIM 204750.
Inborn genetic diseases. Identifiers: MedGen C0950123, MeSH D030342.

Allele frequency attached by ClinVar (database versions not stated): gnomAD exomes below 0.00001; gnomAD 0.00006; ESP Exome Variant Server 0.00008.
gnomAD v4.1: 17 of 1,567,302 alleles (0.0011%); highest among the groups gnomAD compares: African/African-American, 0.018%; no homozygotes.

Submissions (2):

Ambry Genetics
Classification: Uncertain significance for Inborn genetic diseases. Last evaluated: 2025-09-05. Review status: criteria provided, single submitter. Criteria: Ambry Variant Classification Scheme 2023. Collection method: clinical testing. Allele origin: germline.

Labcorp Genetics (formerly Invitae), Labcorp
Classification: Uncertain significance for 2-aminoadipic 2-oxoadipic aciduria. Last evaluated: 2024-11-28. Review status: criteria provided, single submitter. Criteria: Invitae Variant Classification Sherloc (09022015). Collection method: clinical testing. Allele origin: germline.
Comment: This sequence change replaces valine, which is neutral and non-polar, with leucine, which is neutral and non-polar, at codon 856 of the DHTKD1 protein (p.Val856Leu). This variant is present in population databases (rs147508410, gnomAD 0.009%). This variant has not been reported in the literature in individuals affected with DHTKD1-related conditions. ClinVar contains an entry for this variant (Variation ID: 2168964). Invitae Evidence Modeling of protein sequence and biophysical properties (such as structural, functional, and spatial information, amino acid conservation, physicochemical variation, residue mobility, and thermodynamic stability) indicates that this missense variant is not expected to disrupt DHTKD1 protein function with a negative predictive value of 80%. In summary, the available evidence is currently insufficient to determine the role of this variant in disease. Therefore, it has been classified as a Variant of Uncertain Significance.

NM_018706.7(DHTKD1):c.2566G>C (p.Val856Leu)

Gene: DHTKD1 (dehydrogenase E1 and transketolase domain containing 1; plus strand). Cytogenetic location: 10p14.
Variant type: single nucleotide variant.
Coding change: c.2566G>C on transcript NM_018706.7 (MANE Select); coding-DNA position 2566, G replaced by C.
Protein change: p.Val856Leu; replaces valine 856 with leucine.
Molecular consequence: missense variant.
Genome position (GRCh38, 1-based): chr10:12,118,912, G>C. VCF-style: chr10-12118912-G-C. GRCh37 (hg19) VCF-style: chr10-12160911-G-C.
Other names: c.2566G>C (NM_018706.5); short protein forms V856L.
Identifiers: ClinVar variation 2168964 (VCV002168964.5), dbSNP rs147508410, ClinGen allele CA202566478.